The following is an entry in ClinVar:

NM_000548.5(TSC2):c.3805T>C (p.Ser1269Pro)

Gene: TSC2 (TSC complex subunit 2; plus strand). Cytogenetic location: 16p13.3.
Variant type: single nucleotide variant.
Coding change: c.3805T>C on transcript NM_000548.5 (MANE Select); coding-DNA position 3805, T replaced by C.
Protein change: p.Ser1269Pro; replaces serine 1269 with proline.
Molecular consequence: missense variant.
Genome position (GRCh38, 1-based): chr16:2,081,789, T>C. VCF-style: chr16-2081789-T-C. GRCh37 (hg19) VCF-style: chr16-2131790-T-C.
Other names: c.3673T>C, p.Ser1225Pro (NM_001077183.3, NM_001370404.1); c.3805T>C, p.Ser1269Pro (NM_001114382.3); c.3565T>C, p.Ser1189Pro (NM_001318827.2); c.3529T>C, p.Ser1177Pro (NM_001318829.2); c.3073T>C, p.Ser1025Pro (NM_001318831.2); c.3706T>C, p.Ser1236Pro (NM_001318832.2); c.3676T>C, p.Ser1226Pro (NM_001363528.2, NM_001370405.1, NM_021055.3); short protein forms S1189P, S1225P, S1269P, S1177P, S1236P, S1025P, S1226P.
Identifiers: ClinVar variation 942998 (VCV000942998.10), dbSNP rs991523072, ClinGen allele CA276750234.
Genomic context (GRCh38, chr16:2,081,789, plus strand): 5'-CTGTACAAGTCACTGTCGGTGCCGGCAGCCAGCACGGCCAAACCCCCTCCTCTGCCTCGC[T>C]CCAACACAGGTGAGTGGCATGGCGGGCCTTGGCACGGGCTCTGCTCCCACTGGCCTGGTG-3'
Protein context (NP_000539.2, residues 1259-1279): STAKPPPLPR[Ser1269Pro]NTVASFSSLY

ClinVar aggregate classification (germline): Uncertain significance. Review status: criteria provided, multiple submitters, no conflicts (2 of 4 stars). 2 submissions from 2 submitters: Uncertain significance (2). Last evaluated 2026-02-18.

Conditions:
Tuberous sclerosis 2 (TSC2). Identifiers: Orphanet 805, MedGen C1860707, MONDO:0013199, OMIM 613254.
Hereditary cancer-predisposing syndrome. Also called: Tumor predisposition; Hereditary neoplastic syndrome; Hereditary Cancer Syndrome; Neoplastic Syndromes, Hereditary. Identifiers: Orphanet 140162, MedGen C0027672, MeSH D009386, MONDO:0015356.

Allele frequency attached by ClinVar (database versions not stated): gnomAD exomes below 0.00001; TOPMed 0.00001.
gnomAD v4.1: 2 of 1,612,336 alleles (0.00012%); highest among the groups gnomAD compares: Non-Finnish European, 0.00017%; no homozygotes.

Submissions (2):

Ambry Genetics
Classification: Uncertain significance for Hereditary cancer-predisposing syndrome. Last evaluated: 2026-02-18. Review status: criteria provided, single submitter. Criteria: Ambry Variant Classification Scheme 2023. Collection method: clinical testing. Allele origin: germline.
Comment: The p.S1269P variant (also known as c.3805T>C), located in coding exon 30 of the TSC2 gene, results from a T to C substitution at nucleotide position 3805. The serine at codon 1269 is replaced by proline, an amino acid with similar properties. This amino acid position is well conserved in available vertebrate species. In addition, the in silico prediction for this alteration is inconclusive. Based on the available evidence, the clinical significance of this variant remains unclear.

Labcorp Genetics (formerly Invitae), Labcorp
Classification: Uncertain significance for Tuberous sclerosis 2. Last evaluated: 2025-06-08. Review status: criteria provided, single submitter. Criteria: Invitae Variant Classification Sherloc (09022015). Collection method: clinical testing. Allele origin: germline.
Comment: This sequence change replaces serine, which is neutral and polar, with proline, which is neutral and non-polar, at codon 1269 of the TSC2 protein (p.Ser1269Pro). This variant is not present in population databases (gnomAD no frequency). This variant has not been reported in the literature in individuals affected with TSC2-related conditions. ClinVar contains an entry for this variant (Variation ID: 942998). Invitae Evidence Modeling of protein sequence and biophysical properties (such as structural, functional, and spatial information, amino acid conservation, physicochemical variation, residue mobility, and thermodynamic stability) indicates that this missense variant is not expected to disrupt TSC2 protein function with a negative predictive value of 95%. In summary, the available evidence is currently insufficient to determine the role of this variant in disease. Therefore, it has been classified as a Variant of Uncertain Significance.